The following is an entry in ClinVar:

ClinVar aggregate classification (germline): Uncertain significance (1 of 4 stars; one submission).

Submission:

Mayo Clinic Laboratories, Mayo Clinic
Classification: Uncertain significance. Last evaluated: 2022-07-26. Review status: criteria provided, single submitter. Criteria: ACMG Guidelines, 2015. Collection method: clinical testing. Allele origin: germline. Observed: 1 variant allele.
Comment: PM2

NM_004629.2(FANCG):c.1664T>G (p.Leu555Arg)

Gene: FANCG (FA complementation group G; minus strand). Cytogenetic location: 9p13.3.
Variant type: single nucleotide variant.
Coding change: c.1664T>G on transcript NM_004629.2 (MANE Select); coding-DNA position 1664, T replaced by G.
Protein change: p.Leu555Arg; replaces leucine 555 with arginine.
Molecular consequence: missense variant.
Genome position (GRCh38, 1-based): chr9:35,074,467, A>C on the plus strand (T>G on the coding strand, the complement: FANCG is on the minus strand). VCF-style: chr9-35074467-A-C. GRCh37 (hg19) VCF-style: chr9-35074464-A-C.
Other names: p.Leu555Arg; short protein forms L555R.
Identifiers: ClinVar variation 2683043 (VCV002683043.1), dbSNP rs2490393730, ClinGen allele CA373301126.